The following is an entry in ClinVar:

ClinVar aggregate classification (germline): Uncertain significance (1 of 4 stars; one submission).

Conditions:
Hereditary pancreatitis (PCTT). Also called: Hereditary chronic pancreatitis; PRSS1-Related Hereditary Pancreatitis. Identifiers: Orphanet 676, MedGen C0238339, MONDO:0008185, OMIM 167800.

Submission:

Ambry Genetics
Classification: Uncertain significance for Hereditary pancreatitis. Last evaluated: 2025-05-05. Review status: criteria provided, single submitter. Criteria: Ambry Variant Classification Scheme 2023. Collection method: clinical testing. Allele origin: germline.
Comment: The p.L210V variant (also known as c.628C>G), located in coding exon 5 of the PRSS1 gene, results from a C to G substitution at nucleotide position 628. The leucine at codon 210 is replaced by valine, an amino acid with highly similar properties. This amino acid position is conserved. In addition, the in silico prediction for this alteration is inconclusive. Since supporting evidence is limited at this time, the clinical significance of this alteration remains unclear.

NM_002769.5(PRSS1):c.628C>G (p.Leu210Val)

Genes: TRB (T cell receptor beta locus; plus strand), PRSS1 (serine protease 1; plus strand). Cytogenetic location: 7q34.
Variant type: single nucleotide variant.
Coding change: c.628C>G on transcript NM_002769.5 (MANE Select); coding-DNA position 628, C replaced by G.
Protein change: p.Leu210Val; replaces leucine 210 with valine.
Molecular consequence: missense variant. On other transcripts: non-coding transcript variant (5).
Genome position (GRCh38, 1-based): chr7:142,752,904, C>G. VCF-style: chr7-142752904-C-G. GRCh37 (hg19) VCF-style: chr7-142460755-C-G.
Other names: short protein forms L210V.
Identifiers: ClinVar variation 2561589 (VCV002561589.3), dbSNP rs2485768734, ClinGen allele CA369610635.